The following is an entry in ClinVar:

ClinVar aggregate classification (germline): Uncertain significance. Review status: criteria provided, multiple submitters, no conflicts (2 of 4 stars). 2 submissions from 2 submitters: Uncertain significance (2). Last evaluated 2025-05-19.

Conditions:
Hereditary cancer-predisposing syndrome. Also called: Hereditary neoplastic syndrome; Neoplastic Syndromes, Hereditary; Hereditary Cancer Syndrome; Tumor predisposition. Identifiers: Orphanet 140162, MedGen C0027672, MeSH D009386, MONDO:0015356.

Submissions (2):

Ambry Genetics
Classification: Uncertain significance for Hereditary cancer-predisposing syndrome. Last evaluated: 2025-05-19. Review status: criteria provided, single submitter. Criteria: Ambry Variant Classification Scheme 2023. Collection method: clinical testing. Allele origin: germline.
Comment: The p.P38T variant (also known as c.112C>A), located in coding exon 1 of the NTHL1 gene, results from a C to A substitution at nucleotide position 112. The proline at codon 38 is replaced by threonine, an amino acid with highly similar properties. This amino acid position is conserved. In addition, this alteration is predicted to be tolerated by in silico analysis. Based on the available evidence, the clinical significance of this variant remains unclear.

Labcorp Genetics (formerly Invitae), Labcorp
Classification: Uncertain significance. Last evaluated: 2024-11-15. Review status: criteria provided, single submitter. Criteria: Invitae Variant Classification Sherloc (09022015). Collection method: clinical testing. Allele origin: germline.
Comment: This sequence change replaces proline, which is neutral and non-polar, with threonine, which is neutral and polar, at codon 38 of the NTHL1 protein (p.Pro38Thr). This variant is not present in population databases (gnomAD no frequency). This variant has not been reported in the literature in individuals affected with NTHL1-related conditions. An algorithm developed to predict the effect of missense changes on protein structure and function (PolyPhen-2) suggests that this variant is likely to be tolerated. In summary, the available evidence is currently insufficient to determine the role of this variant in disease. Therefore, it has been classified as a Variant of Uncertain Significance.

NM_002528.7(NTHL1):c.88C>A (p.Pro30Thr)

Gene: NTHL1 (nth like DNA glycosylase 1; minus strand). Cytogenetic location: 16p13.3.
Variant type: single nucleotide variant.
Coding change: c.88C>A on transcript NM_002528.7 (MANE Select); coding-DNA position 88, C replaced by A.
Protein change: p.Pro30Thr; replaces proline 30 with threonine.
Molecular consequence: missense variant. On other transcripts: 5 prime UTR variant (1).
Genome position (GRCh38, 1-based): chr16:2,047,736, G>T on the plus strand (C>A on the coding strand, the complement: NTHL1 is on the minus strand). VCF-style: chr16-2047736-G-T. GRCh37 (hg19) VCF-style: chr16-2097737-G-T.
Other names: c.88C>A, p.Pro30Thr (NM_001318193.2); c.-91C>A (NM_001318194.2); c.112C>A (NM_002528.5); short protein forms P30T.
Identifiers: ClinVar variation 3713389 (VCV003713389.3).